The following is an entry in ClinVar:

ClinVar aggregate classification (germline): Uncertain significance (1 of 4 stars; one submission).

gnomAD v4.1: 9 of 1,614,028 alleles (0.00056%); highest among the groups gnomAD compares: South Asian, 0.0011%; no homozygotes.

Submission:

Labcorp Genetics (formerly Invitae), Labcorp
Classification: Uncertain significance. Last evaluated: 2025-12-29. Review status: criteria provided, single submitter. Criteria: Invitae Variant Classification Sherloc (09022015). Collection method: clinical testing. Allele origin: germline.
Comment: This sequence change replaces valine, which is neutral and non-polar, with alanine, which is neutral and non-polar, at codon 55 of the GPR45 protein (p.Val55Ala). This variant is present in population databases (rs759792071, gnomAD 0.003%). This variant has not been reported in the literature in individuals affected with GPR45-related conditions. An algorithm developed to predict the effect of missense changes on protein structure and function (PolyPhen-2) suggests that this variant is likely to be disruptive. In summary, the available evidence is currently insufficient to determine the role of this variant in disease. Therefore, it has been classified as a Variant of Uncertain Significance.

NM_007227.3(GPR45):c.164T>C (p.Val55Ala)

Gene: GPR45 (G protein-coupled receptor 45; plus strand). Cytogenetic location: 2q12.1.
Variant type: single nucleotide variant.
Coding change: c.164T>C on transcript NM_007227.3 (MANE Select); coding-DNA position 164, T replaced by C.
Protein change: p.Val55Ala; replaces valine 55 with alanine.
Molecular consequence: missense variant.
Genome position (GRCh38, 1-based): chr2:105,242,022, T>C. VCF-style: chr2-105242022-T-C. GRCh37 (hg19) VCF-style: chr2-105858479-T-C.
Other names: short protein forms V55A.
Identifiers: ClinVar variation 4779399 (VCV004779399.1).